The following is an entry in ClinVar:

NM_033026.6(PCLO):c.8347T>C (p.Ser2783Pro)

Gene: PCLO (piccolo presynaptic cytomatrix protein; minus strand). Cytogenetic location: 7q21.11.
Variant type: single nucleotide variant.
Coding change: c.8347T>C on transcript NM_033026.6 (MANE Select); coding-DNA position 8347, T replaced by C.
Protein change: p.Ser2783Pro; replaces serine 2783 with proline.
Molecular consequence: missense variant.
Genome position (GRCh38, 1-based): chr7:82,952,606, A>G on the plus strand (T>C on the coding strand, the complement: PCLO is on the minus strand). VCF-style: chr7-82952606-A-G. GRCh37 (hg19) VCF-style: chr7-82581922-A-G.
Other names: c.8347T>C (NM_033026.5); c.8347T>C, p.Ser2783Pro (NM_014510.3); short protein forms S2783P.
Identifiers: ClinVar variation 1380277 (VCV001380277.9), dbSNP rs201921094, ClinGen allele CA4320137.
Genomic context (GRCh38, chr7:82,952,606, plus strand): 5'-TAGCTGTGCATGTGACAAAGGTCACTGTCTCAGTGGCCAGAGATACAGGAGTCACTATTG[A>G]TGATGTCACACTAAGATTTATAATAGAGGGTTGGACAGCACTAATTTGTTTCCCATAAAC-3'
Protein context (NP_149015.2, residues 2773-2793): PSIINLSVTS[Ser2783Pro]IVTPVSLATE

ClinVar aggregate classification (germline): Conflicting classifications of pathogenicity. Review status: criteria provided, conflicting classifications (1 of 4 stars). 2 submissions from 2 submitters: Uncertain significance (1); Likely benign (1). Last evaluated 2023-12-13.

Conditions:
Inborn genetic diseases. Identifiers: MedGen C0950123, MeSH D030342.

Allele frequency attached by ClinVar (database versions not stated): gnomAD 0.00001; gnomAD exomes 0.00002 and 0.00006; TOPMed 0.00002; ExAC 0.00005; ESP Exome Variant Server 0.00025.
gnomAD v4.1: 34 of 1,613,762 alleles (0.0021%); highest among the groups gnomAD compares: Non-Finnish European, 0.00017%; no homozygotes.

Submissions (2):

Ambry Genetics
Classification: Likely benign for Inborn genetic diseases. Last evaluated: 2023-12-13. Review status: criteria provided, single submitter. Criteria: Ambry Variant Classification Scheme 2023. Collection method: clinical testing. Allele origin: germline.

Labcorp Genetics (formerly Invitae), Labcorp
Classification: Uncertain significance. Last evaluated: 2022-08-09. Review status: criteria provided, single submitter. Criteria: Invitae Variant Classification Sherloc (09022015). Collection method: clinical testing. Allele origin: germline.
Comment: In summary, the available evidence is currently insufficient to determine the role of this variant in disease. Therefore, it has been classified as a Variant of Uncertain Significance. Algorithms developed to predict the effect of missense changes on protein structure and function are either unavailable or do not agree on the potential impact of this missense change (SIFT: "Tolerated"; PolyPhen-2: "Not Available"; Align-GVGD: "Class C0"). ClinVar contains an entry for this variant (Variation ID: 1380277). This variant has not been reported in the literature in individuals affected with PCLO-related conditions. This variant is present in population databases (rs201921094, gnomAD 0.1%). This sequence change replaces serine, which is neutral and polar, with proline, which is neutral and non-polar, at codon 2783 of the PCLO protein (p.Ser2783Pro).